The following is an entry in ClinVar:

ClinVar aggregate classification (germline): Conflicting classifications of pathogenicity. Review status: criteria provided, conflicting classifications (1 of 4 stars). 2 submissions from 2 submitters: Uncertain significance (1); Likely benign (1). Last evaluated 2025-02-16.

Conditions:
Leigh syndrome (NULS). Also called: Leigh's necrotizing encephalopathy; Leigh's disease; Leigh's syndrome; LEIGH SYNDROME, NUCLEAR; Leigh Syndrome (mtDNA deletion); Leigh Disease. Identifiers: Orphanet 506, MedGen C2931891, MONDO:0009723, OMIM 256000.

Submissions (2):

Laboratory of Genetics, Children's Clinical University Hospital Latvia
Classification: Likely benign. Last evaluated: 2025-02-16. Review status: criteria provided, single submitter. Criteria: ACMG Guidelines, 2015. Collection method: clinical testing. Allele origin: germline. Affected: yes.

Wong Mito Lab, Molecular and Human Genetics, Baylor College of Medicine
Classification: Uncertain significance for Leigh syndrome. Last evaluated: 2019-10-17. Review status: criteria provided, single submitter. Criteria: Modified ACMG Guidelines (Unpublished). Collection method: clinical testing. Allele origin: germline.
Comment: The NC_012920.1:m.14924T>C (YP_003024038.1:p.Ser60Pro) variant in MTCYB gene is interpretated to be a Uncertain Significance variant based on the modified ACMG guidelines (unpublished). This variant meets the following evidence codes: PP6, BP4

NC_012920.1(MT-CYB):m.14924T>C

Gene: MT-CYB (mitochondrially encoded cytochrome b; plus strand).
Variant type: single nucleotide variant.
Genome position: chrM-14924-T-C.
Identifiers: ClinVar variation 693790 (VCV000693790.2), dbSNP rs1603224966, ClinGen allele CA913172462.